The following is an entry in ClinVar:

NM_144991.3(TSPEAR):c.19C>T (p.Leu7=)

Gene: TSPEAR (thrombospondin type laminin G domain and EAR repeats; minus strand). Cytogenetic location: 21q22.3.
Variant type: single nucleotide variant.
Coding change: c.19C>T on transcript NM_144991.3 (MANE Select); coding-DNA position 19, C replaced by T.
Protein change: p.Leu7=; no amino-acid change (leucine 7 retained).
Molecular consequence: synonymous variant. On other transcripts: 5 prime UTR variant (1).
Genome position (GRCh38, 1-based): chr21:44,711,496, G>A on the plus strand (C>T on the coding strand, the complement: TSPEAR is on the minus strand). VCF-style: chr21-44711496-G-A. GRCh37 (hg19) VCF-style: chr21-46131411-G-A.
Other names: c.-248C>T (NM_001272037.2).
Identifiers: ClinVar variation 4980435 (VCV004980435.1).

ClinVar aggregate classification (germline): Likely benign (1 of 4 stars; one submission).

Conditions:
TSPEAR-related disorder. Also called: TSPEAR-related condition.

Submission:

PreventionGenetics, part of Exact Sciences
Classification: Likely benign for TSPEAR-related condition. Last evaluated: 2025-07-10. Review status: criteria provided, single submitter. Criteria: ACMG Guidelines, 2015. Collection method: clinical testing. Allele origin: germline.
Comment: This variant is classified as likely benign based on ACMG/AMP sequence variant interpretation guidelines (Richards et al. 2015 PMID: 25741868, with internal and published modifications).